The following is an entry in ClinVar:

NM_000261.2(MYOC):c.854C>T (p.Thr285Met)

Gene: MYOC (myocilin; minus strand). Cytogenetic location: 1q24.3.
Variant type: single nucleotide variant.
Coding change: c.854C>T on transcript NM_000261.2 (MANE Select); coding-DNA position 854, C replaced by T.
Protein change: p.Thr285Met; replaces threonine 285 with methionine.
Molecular consequence: missense variant.
Genome position (GRCh38, 1-based): chr1:171,636,586, G>A on the plus strand (C>T on the coding strand, the complement: MYOC is on the minus strand). VCF-style: chr1-171636586-G-A. GRCh37 (hg19) VCF-style: chr1-171605726-G-A.
Other names: NM_000261.2:c.854C>T; short protein forms T285M.
Identifiers: ClinVar variation 1810367 (VCV001810367.2), dbSNP rs754051534, ClinGen allele CA1244138.

ClinVar aggregate classification (germline): Uncertain significance (3 of 4 stars; one submission).

Conditions:
Open-angle glaucoma. Identifiers: MedGen C0017612, MONDO:0005338, HP:0012108.

Allele frequency attached by ClinVar (database versions not stated): ExAC 0.00001; gnomAD exomes 0.00002; TOPMed 0.00005; gnomAD 0.00005.
gnomAD v4.1: 39 of 1,611,430 alleles (0.0024%); highest among the groups gnomAD compares: Admixed American, 0.012%; no homozygotes.

Submission:

ClinGen Glaucoma Variant Curation Expert Panel
Classification: Uncertain significance for Open-angle glaucoma. Last evaluated: 2025-11-12. Review status: reviewed by expert panel. Criteria: ClinGen Glaucoma ACMG Specifications V2.0.0 Approved. Collection method: curation. Allele origin: germline. Inheritance: Autosomal dominant inheritance.
Comment: The c.854C>T variant in MYOC is a missense variant predicted to cause substitution of Threonine by Methionine at amino acid 285 (p.Thr285Met). The highest minor allele frequency of this variant was in the Admixed American genetic ancestry group of gnomAD (v4.1.0) = 0.0001170 (7 alleles out of 59,840), which did not meet the PM2_Supporting allele frequency threshold (≤ 0.0001) or the BS1 allele frequency threshold (≥ 0.001). The REVEL score = 0.612, which was neither above nor below the thresholds for PP3 (≥ 0.644) or BP4 (≤ 0.290), predicting a damaging or benign impact on MYOC function. There was no functional evidence predicting a damaging or benign impact of this variant on MYOC function. Although probands with primary open angle glaucoma have been reported carrying this variant, PM2_Supporting was not met, therefore PS4 did not apply. In summary, this variant did not meet any criteria, receiving a score of 0 and a classification as a variant of uncertain significance (uncertain significance classification range -1 to 5, adapted from PMID: 32720330) for primary open angle glaucoma based on the ACMG/AMP criteria met, as specified by the ClinGen Glaucoma VCEP (v2.0.0, 5 Dec 2024): none